The following is an entry in ClinVar:

ClinVar aggregate classification (germline): Benign/Likely benign. Review status: criteria provided, multiple submitters, no conflicts (2 of 4 stars). 2 submissions from 2 submitters: Benign (1); Likely benign (1). Last evaluated 2018-06-16.

Submissions (2):

GeneDx
Classification: Benign. Last evaluated: 2018-06-16. Review status: criteria provided, single submitter. Criteria: GeneDx Variant Classification (06012015). Collection method: clinical testing. Allele origin: germline. Affected: yes.
Comment: This variant is considered likely benign or benign based on one or more of the following criteria: it is a conservative change, it occurs at a poorly conserved position in the protein, it is predicted to be benign by multiple in silico algorithms, and/or has population frequency not consistent with disease.

PreventionGenetics, part of Exact Sciences
Classification: Likely benign. Review status: criteria provided, single submitter. Criteria: ACMG Guidelines, 2015. Collection method: clinical testing. Allele origin: germline.

NM_025114.4(CEP290):c.2052+30del

Gene: CEP290 (centrosomal protein 290; minus strand). Cytogenetic location: 12q21.32.
Variant type: Deletion.
Coding change: c.2052+30del on transcript NM_025114.4 (MANE Select); 30 bases into the intron after coding-DNA position 2052, one base deleted (T; older notation c.2052+30delT).
Molecular consequence: intron variant.
Genome position (GRCh38, 1-based): chr12:88,114,390, A deleted on the plus strand (T on the coding strand, the reverse complement: CEP290 is on the minus strand); the first of 5 consecutive A bases (chr12:88,114,390-88,114,394); deleting any one gives the same sequence. VCF-style (leftmost placement, unchanged base first): chr12-88114389-GA-G. GRCh37 (hg19) VCF-style: chr12-88508166-GA-G.
Other names: c.2052+30delT (NM_025114.3).
Identifiers: ClinVar variation 261833 (VCV000261833.2), dbSNP rs11358611, ClinGen allele CA6712415.